The following is an entry in ClinVar:

ClinVar aggregate classification (germline): Likely benign (0 of 4 stars; one submission).

Submission:

Department of Pathology and Laboratory Medicine, Sinai Health System
Classification: Likely benign. Review status: no assertion criteria provided. Collection method: clinical testing. Allele origin: unknown. Affected: yes. Study: The Canadian Open Genetics Repository (COGR).
Comment: The ATM c.3403-15_3403-14dupTA variant was not identified in the literature nor was it identified in the dbSNP, ClinVar, or LOVD 3.0, databases. The variant was not identified in the following control databases: the Exome Aggregation Consortium (August 8th 2016), or the Genome Aggregation Database (Feb 27, 2017). The variant occurs outside of the splicing consensus sequence and 1 of 4 in silico or computational prediction software programs (SpliceSiteFinder, MaxEntScan, NNSPLICE, GeneSplicer) predict a greater than 10% difference in splicing; this is not very predictive of pathogenicity. Please note, another variant involving the same nucleotide position c.3403-15_3403-14insTA was identified in ClinVar (as likely benign) and in control databases in 144695 (40554 homozygous) of 258930 chromosomes at a frequency of 0.6: the Exome Aggregation Consortium (August 8th 2016), or the Genome Aggregation Database (Feb 27, 2017), increasing the likelihood that the variant does not have clinical significance. In summary, based on the above information the clinical significance of this variant cannot be determined with certainty at this time although we would lean towards a more benign role for this variant. This variant is classified as likely benign.

NM_000051.4(ATM):c.3403-15_3403-14dup

Gene: ATM (ATM serine/threonine kinase; plus strand). Cytogenetic location: 11q22.3.
Variant type: Duplication.
Coding change: c.3403-15_3403-14dup on transcript NM_000051.4 (MANE Select); 15 bases into the intron before coding-DNA position 3403 through 14 bases into the intron before coding-DNA position 3403, 2 bases duplicated (TA; older notation c.3403-15_3403-14dupTA).
Molecular consequence: intron variant.
Genome position (GRCh38, 1-based): chr11:108,280,980-108,280,981, TA duplicated. VCF-style (leftmost placement, unchanged base first): chr11-108280979-T-TTA. GRCh37 (hg19) VCF-style: chr11-108151706-T-TTA.
Other names: c.3403-15_3403-14dup (NM_001351834.2).
Identifiers: ClinVar variation 1050126 (VCV001050126.1), dbSNP rs2135664759, ClinGen allele CA2499220611.